The following is an entry in ClinVar:

NM_020461.4(TUBGCP6):c.2427G>T (p.Val809=)

Gene: TUBGCP6 (tubulin gamma complex component 6; minus strand). Cytogenetic location: 22q13.33.
Variant type: single nucleotide variant.
Coding change: c.2427G>T on transcript NM_020461.4 (MANE Select); coding-DNA position 2427, G replaced by T.
Protein change: p.Val809=; no amino-acid change (valine 809 retained).
Molecular consequence: synonymous variant.
Genome position (GRCh38, 1-based): chr22:50,222,085, C>A on the plus strand (G>T on the coding strand, the complement: TUBGCP6 is on the minus strand). VCF-style: chr22-50222085-C-A. GRCh37 (hg19) VCF-style: chr22-50660514-C-A.
Identifiers: ClinVar variation 2653372 (VCV002653372.24), dbSNP rs2519140366, ClinGen allele CA515376597.

ClinVar aggregate classification (germline): Likely benign (1 of 4 stars; one submission).

Submission:

CeGaT Center for Human Genetics Tuebingen
Classification: Likely benign. Last evaluated: 2022-09-01. Review status: criteria provided, single submitter. Criteria: CeGaT Center For Human Genetics Tuebingen Variant Classification Criteria Version 2. Collection method: clinical testing. Allele origin: germline. Affected: yes. Observed: 1 variant allele.
Comment: TUBGCP6: PM2:Supporting, BP4, BP7